The following is an entry in ClinVar:

ClinVar aggregate classification (germline): Uncertain significance (1 of 4 stars; one submission).

Allele frequency attached by ClinVar (database versions not stated): gnomAD exomes below 0.00001.
gnomAD v4.1: 3 of 1,614,180 alleles (0.00019%); highest among the groups gnomAD compares: Non-Finnish European, 0.00025%; no homozygotes.

Submission:

GeneDx
Classification: Uncertain significance. Last evaluated: 2023-03-26. Review status: criteria provided, single submitter. Criteria: GeneDx Variant Classification Process June 2021. Collection method: clinical testing. Allele origin: germline. Affected: yes.
Comment: Not observed at significant frequency in large population cohorts (gnomAD); In silico analysis supports that this missense variant does not alter protein structure/function; Has not been previously published as pathogenic or benign to our knowledge

NM_001003694.2(BRPF1):c.3517G>A (p.Val1173Met)

Gene: BRPF1 (bromodomain and PHD finger containing 1; plus strand). Cytogenetic location: 3p25.3.
Variant type: single nucleotide variant.
Coding change: c.3517G>A on transcript NM_001003694.2 (MANE Select); coding-DNA position 3517, G replaced by A.
Protein change: p.Val1173Met; replaces valine 1173 with methionine.
Molecular consequence: missense variant. On other transcripts: non-coding transcript variant (1).
Genome position (GRCh38, 1-based): chr3:9,747,203, G>A. VCF-style: chr3-9747203-G-A. GRCh37 (hg19) VCF-style: chr3-9788887-G-A.
Other names: c.3214G>A, p.Val1072Met (NM_001319049.2); c.3496G>A, p.Val1166Met (NM_001319050.2); c.3514G>A, p.Val1172Met (NM_001410704.1); c.3499G>A, p.Val1167Met (NM_004634.3); short protein forms V1072M, V1166M, V1167M, V1172M, V1173M.
Identifiers: ClinVar variation 2582023 (VCV002582023.1), dbSNP rs2471524401, ClinGen allele CA351706620.